The following is an entry in ClinVar:

ClinVar aggregate classification (germline): Uncertain significance (1 of 4 stars; one submission).

Submission:

Labcorp Genetics (formerly Invitae), Labcorp
Classification: Uncertain significance. Last evaluated: 2022-11-01. Review status: criteria provided, single submitter. Criteria: Invitae Variant Classification Sherloc (09022015). Collection method: clinical testing. Allele origin: germline.
Comment: In summary, the available evidence is currently insufficient to determine the role of this variant in disease. Therefore, it has been classified as a Variant of Uncertain Significance. Algorithms developed to predict the effect of missense changes on protein structure and function are either unavailable or do not agree on the potential impact of this missense change (SIFT: "Deleterious"; PolyPhen-2: "Probably Damaging"; Align-GVGD: "Class C15"). This variant has not been reported in the literature in individuals affected with TMEM38B-related conditions. This variant is not present in population databases (gnomAD no frequency). This sequence change replaces glycine, which is neutral and non-polar, with arginine, which is basic and polar, at codon 62 of the TMEM38B protein (p.Gly62Arg).

NM_018112.3(TMEM38B):c.184G>A (p.Gly62Arg)

Gene: TMEM38B (transmembrane protein 38B; plus strand). Cytogenetic location: 9q31.2.
Variant type: single nucleotide variant.
Coding change: c.184G>A on transcript NM_018112.3 (MANE Select); coding-DNA position 184, G replaced by A.
Protein change: p.Gly62Arg; replaces glycine 62 with arginine.
Molecular consequence: missense variant.
Genome position (GRCh38, 1-based): chr9:105,705,668, G>A. VCF-style: chr9-105705668-G-A. GRCh37 (hg19) VCF-style: chr9-108467949-G-A.
Other names: short protein forms G62R.
Identifiers: ClinVar variation 2811190 (VCV002811190.3), dbSNP rs2540027426, ClinGen allele CA374378703.
Genomic context (GRCh38, chr9:105,705,668, plus strand): 5'-TTGGCATGGAAGAATCCTATTTCAAGCTGGTTTACTGCTATGCTCCACTGTTTTGGTGGA[G>A]GAATTTTATCCTGTCTACTGCTTGCAGAGCCTCCATTGAAGTTTCTTGCAAACCACACTA-3'
Protein context (NP_060582.1, residues 52-72): FTAMLHCFGG[Gly62Arg]ILSCLLLAEP